The following is an entry in ClinVar:

ClinVar aggregate classification (germline): Conflicting classifications of pathogenicity. Review status: criteria provided, conflicting classifications (1 of 4 stars). 3 submissions from 3 submitters: Uncertain significance (2); Likely benign (1). Last evaluated 2026-05-26.

Conditions:
Hereditary cancer-predisposing syndrome. Also called: Hereditary Cancer Syndrome; Tumor predisposition; Neoplastic Syndromes, Hereditary; Hereditary neoplastic syndrome. Identifiers: Orphanet 140162, MedGen C0027672, MeSH D009386, MONDO:0015356.
Gastrointestinal stromal tumor. Also called: Gastrointestinal stromal tumor, somatic; Gastrointestinal stroma tumor. Identifiers: Orphanet 44890, MedGen C0238198, MeSH D046152, MONDO:0011719, OMIM 606764, HP:0100723.

Allele frequency attached by ClinVar (database versions not stated): TOPMed below 0.00001; gnomAD 0.00001; gnomAD exomes 0.00001; ExAC 0.00002.
gnomAD v4.1: 13 of 1,613,982 alleles (0.00081%); highest among the groups gnomAD compares: African/African-American, 0.0013%; no homozygotes.

Submissions (3):

Myriad Genetics, Inc.
Classification: Likely benign for Gastrointestinal stromal tumor. Last evaluated: 2026-05-26. Review status: criteria provided, single submitter. Criteria: Myriad Autosomal Dominant, Autosomal Recessive and X-Linked Classification Criteria (2023). Collection method: clinical testing. Allele origin: unknown.
Comment: This variant is considered likely benign. This variant has been observed at a population frequency that is significantly greater than expected given the associated disease prevalence and penetrance.

Labcorp Genetics (formerly Invitae), Labcorp
Classification: Uncertain significance for Gastrointestinal stromal tumor. Last evaluated: 2025-10-05. Review status: criteria provided, single submitter. Criteria: Invitae Variant Classification Sherloc (09022015). Collection method: clinical testing. Allele origin: germline.
Comment: This sequence change replaces arginine, which is basic and polar, with cysteine, which is neutral and slightly polar, at codon 135 of the KIT protein (p.Arg135Cys). The frequency data for this variant in the population databases is considered unreliable, as metrics indicate poor data quality at this position in the gnomAD database. This variant has not been reported in the literature in individuals affected with KIT-related conditions. ClinVar contains an entry for this variant (Variation ID: 572558). An algorithm developed to predict the effect of missense changes on protein structure and function (PolyPhen-2) suggests that this variant is likely to be disruptive. In summary, the available evidence is currently insufficient to determine the role of this variant in disease. Therefore, it has been classified as a Variant of Uncertain Significance.

Ambry Genetics
Classification: Uncertain significance for Hereditary cancer-predisposing syndrome. Last evaluated: 2025-01-03. Review status: criteria provided, single submitter. Criteria: Ambry Variant Classification Scheme 2023. Collection method: clinical testing. Allele origin: germline.
Comment: The p.R135C variant (also known as c.403C>T), located in coding exon 3 of the KIT gene, results from a C to T substitution at nucleotide position 403. The arginine at codon 135 is replaced by cysteine, an amino acid with highly dissimilar properties. This amino acid position is well conserved in available vertebrate species. In addition, this alteration is predicted to be tolerated by in silico analysis. Based on the available evidence, the clinical significance of this variant remains unclear.

NM_000222.3(KIT):c.403C>T (p.Arg135Cys)

Gene: KIT (KIT proto-oncogene, receptor tyrosine kinase; plus strand). Cytogenetic location: 4q12.
Variant type: single nucleotide variant.
Coding change: c.403C>T on transcript NM_000222.3 (MANE Select); coding-DNA position 403, C replaced by T.
Protein change: p.Arg135Cys; replaces arginine 135 with cysteine.
Molecular consequence: missense variant.
Genome position (GRCh38, 1-based): chr4:54,698,349, C>T. VCF-style: chr4-54698349-C-T. GRCh37 (hg19) VCF-style: chr4-55564515-C-T.
Other names: c.403C>T, p.Arg135Cys (NM_001093772.2, NM_001385284.1, NM_001385285.1 and 4 more transcripts); short protein forms R135C.
Identifiers: ClinVar variation 572558 (VCV000572558.14), dbSNP rs754738766, ClinGen allele CA2923239.